The following is an entry in ClinVar:

ClinVar aggregate classification (germline): Likely pathogenic (1 of 4 stars; one submission).

Conditions:
Early-infantile DEE. Also called: Ohtahara syndrome; Early infantile epileptic encephalopathy with suppression bursts; Early infantile epileptic encephalopathy. Identifiers: Orphanet 1934, MedGen C0393706, MONDO:0800491.

Submission:

Labcorp Genetics (formerly Invitae), Labcorp
Classification: Likely pathogenic for Early-infantile DEE. Last evaluated: 2022-01-13. Review status: criteria provided, single submitter. Criteria: Invitae Variant Classification Sherloc (09022015). Collection method: clinical testing. Allele origin: germline.
Comment: This variant disrupts the p.Glu385 amino acid residue in SCN1A. Other variant(s) that disrupt this residue have been determined to be pathogenic (PMID: 22071555, 26169758; Invitae). This suggests that this residue is clinically significant, and that variants that disrupt this residue are likely to be disease-causing. In summary, the currently available evidence indicates that the variant is pathogenic, but additional data are needed to prove that conclusively. Therefore, this variant has been classified as Likely Pathogenic. This sequence change replaces glutamic acid, which is acidic and polar, with alanine, which is neutral and non-polar, at codon 385 of the SCN1A protein (p.Glu385Ala). This variant is not present in population databases (gnomAD no frequency). This variant has not been reported in the literature in individuals affected with SCN1A-related conditions. ClinVar contains an entry for this variant (Variation ID: 834335). Advanced modeling of protein sequence and biophysical properties (such as structural, functional, and spatial information, amino acid conservation, physicochemical variation, residue mobility, and thermodynamic stability) performed at Invitae indicates that this missense variant is expected to disrupt SCN1A protein function.

Literature cited by the submitters: PubMed 22071555; PubMed 26169758.

NM_001165963.4(SCN1A):c.1154A>C (p.Glu385Ala)

Gene: SCN1A (sodium voltage-gated channel alpha subunit 1; minus strand). Cytogenetic location: 2q24.3.
Variant type: single nucleotide variant.
Coding change: c.1154A>C on transcript NM_001165963.4 (MANE Select); coding-DNA position 1154, A replaced by C.
Protein change: p.Glu385Ala; replaces glutamic acid 385 with alanine.
Molecular consequence: missense variant. On other transcripts: 5 prime UTR variant (1), non-coding transcript variant (1).
Genome position (GRCh38, 1-based): chr2:166,047,643, T>G on the plus strand (A>C on the coding strand, the complement: SCN1A is on the minus strand). VCF-style: chr2-166047643-T-G. GRCh37 (hg19) VCF-style: chr2-166904153-T-G.
Other names: c.1154A>C, p.Glu385Ala (NM_001165964.3, NM_001202435.3, NM_001353948.2 and 10 more transcripts); c.-1272A>C (NM_001353961.2); short protein forms E385A.
Identifiers: ClinVar variation 834335 (VCV000834335.10), dbSNP rs1697999557, ClinGen allele CA349071100.